The following is an entry in ClinVar:

ClinVar aggregate classification (germline): Pathogenic/Likely pathogenic. Review status: criteria provided, multiple submitters, no conflicts (2 of 4 stars). 8 submissions from 8 submitters: Pathogenic (3); Likely pathogenic (3). 2 of the submissions do not count toward it. Last evaluated 2025-10-28.

Conditions:
ATP7B-related disorder. Also called: ATP7B-related condition.
Wilson disease (WND). Also called: Wilson's disease. Identifiers: Orphanet 905, MedGen C0019202, MONDO:0010200, OMIM 277900. Disease mechanism: loss of function.

Allele frequency attached by ClinVar (database versions not stated): gnomAD exomes below 0.00001 and 0.00001; gnomAD 0.00001; TOPMed 0.00001.
gnomAD v4.1: 23 of 1,614,028 alleles (0.0014%); highest among the groups gnomAD compares: Non-Finnish European, 0.0019%; no homozygotes.

Submissions (8):

Labcorp Genetics (formerly Invitae), Labcorp
Classification: Pathogenic for Wilson disease. Last evaluated: 2025-10-28. Review status: criteria provided, single submitter. Criteria: Invitae Variant Classification Sherloc (09022015). Collection method: clinical testing. Allele origin: germline.
Comment: This sequence change replaces cysteine, which is neutral and slightly polar, with tyrosine, which is neutral and polar, at codon 980 of the ATP7B protein (p.Cys980Tyr). This variant is present in population databases (no rsID available, gnomAD 0.0009%). This missense change has been observed in individual(s) with Wilson disease (PMID: 21796144, 24146181, 34324271). ClinVar contains an entry for this variant (Variation ID: 556603). Invitae Evidence Modeling of protein sequence and biophysical properties (such as structural, functional, and spatial information, amino acid conservation, physicochemical variation, residue mobility, and thermodynamic stability) indicates that this missense variant is not expected to disrupt ATP7B protein function with a negative predictive value of 80%. For these reasons, this variant has been classified as Pathogenic.

Fulgent Genetics
Classification: Likely pathogenic for Wilson disease. Last evaluated: 2024-04-10. Review status: criteria provided, single submitter. Criteria: ACMG Guidelines, 2015. Collection method: clinical testing. Allele origin: germline.

Baylor Genetics
Classification: Pathogenic for Wilson disease. Last evaluated: 2023-07-03. Review status: criteria provided, single submitter. Criteria: ACMG Guidelines, 2015. Collection method: clinical testing. Allele origin: unknown.

PreventionGenetics, part of Exact Sciences
Classification: Likely pathogenic for ATP7B-related condition. Last evaluated: 2022-11-10. Review status: criteria provided, single submitter. Criteria: ACMG Guidelines, 2015. Collection method: clinical testing. Allele origin: germline.
Comment: The ATP7B c.2939G>A variant is predicted to result in the amino acid substitution p.Cys980Tyr. This variant was reported along with a known pathogenic variant (c.2333G>T, p.Arg778Leu) in an individual with Wilson disease (Fang et al. 2021. PubMed ID: 34002136). It has also been reported in other Wilson disease patients, although without additional functional or genetic evidence (for example, see Mak et al. 2007. PubMed ID: 18034201; Li et al. 2013. PubMed ID: 23235335; Poon et al. 2016. PubMed ID: 26483271; Wei et al. 2014. PubMed ID: 25089800). This variant is reported in 0.00088% of alleles in individuals of European (Non-Finnish) descent in gnomAD. This variant is interpreted as likely pathogenic.

Women's Health and Genetics/Laboratory Corporation of America, LabCorp
Classification: Pathogenic for Wilson disease. Last evaluated: 2022-11-02. Review status: criteria provided, single submitter. Criteria: LabCorp Variant Classification Summary - May 2015. Collection method: clinical testing. Allele origin: germline.
Comment: Variant summary: ATP7B c.2939G>A (p.Cys980Tyr) results in a non-conservative amino acid change in the encoded protein sequence. Five of five in-silico tools predict a damaging effect of the variant on protein function. The variant allele was found at a frequency of 4e-06 in 249386 control chromosomes (gnomAD). c.2939G>A has been reported in the literature in multiple individuals affected with Wilson Disease (e.g. Wang_2011, Li_2013, Hui_2013, Wang_2018, Xiao_2021, Poon_2016, Mak_2008). These data indicate that the variant is very likely to be associated with disease. One ClinVar submitter has assessed the variant since 2014: the variant was classified as likely pathogenic. Based on the evidence outlined above, the variant was classified as pathogenic.

ARUP Laboratories, Molecular Genetics and Genomics, ARUP Laboratories
Classification: Likely pathogenic for Wilson disease. Last evaluated: 2022-04-01. Review status: criteria provided, single submitter. Criteria: ARUP Molecular Germline Variant Investigation Process 2021. Collection method: clinical testing. Allele origin: germline.
Comment: The ATP7B c.2939G>A; p.Cys980Tyr variant (rs1038582488) is reported in the literature in multiple individuals affected with Wilson disease, often found with a second pathogenic variant (Li 2013, Mak 2008, Xiao 2021). This variant is reported in ClinVar (Variation ID: 556603) and is only observed on one allele in the Genome Aggregation Database, indicating it is not a common polymorphism. Additionally, other variants at this codon (c.2939G>T, p.Cys980Phe; c.2938T>C, p.Cys980Arg) have been reported in individuals with Wilson disease (Li 2019, Li 2013). The cysteine at codon 980 is weakly conserved, but computational analyses predict that this variant is deleterious (REVEL: 0.773). Based on available information, this variant is considered to be likely pathogenic. References: Li X et al. Clinical features and mutational analysis in 114 young children with Wilson disease from South China. Am J Med Genet A. 2019 Aug;179(8):1451-1458. PMID: 31172689. Li K et al. Mutational analysis of ATP7B in north Chinese patients with Wilson disease. J Hum Genet. 2013 Feb;58(2):67-72. PMID: 23235335. Mak CM et al. Mutational analysis of 65 Wilson disease patients in Hong Kong Chinese: identification of 17 novel mutations and its genetic heterogeneity. J Hum Genet. 2008;53(1):55-63. PMID: 18034201. Xiao Z et al. Molecular analysis of 53 Chinese families with Wilson's disease: Six novel mutations identified. Mol Genet Genomic Med. 2021 Sep;9(9):e1735. PMID: 34324271.

Counsyl
Classification: Likely pathogenic for Wilson disease. Last evaluated: 2018-02-09. Review status: no assertion criteria provided. Collection method: clinical testing. Allele origin: unknown. Not counted in ClinVar's aggregate classification.

All of Us Research Program, National Institutes of Health
Classification: Uncertain significance for Wilson disease. Last evaluated: 2023-08-15. Review status: flagged submission. Criteria: ACMG Guidelines, 2015. Collection method: clinical testing. Allele origin: germline. Inheritance: Autosomal recessive inheritance. Observed: 2 variant alleles, 2 heterozygotes. Not counted in ClinVar's aggregate classification.
Comment: This study involves interpretation of variants in research participants for the purpose of population health screening. Participant phenotype was not available at the time of variant classification. Additional details can be found in publication PMID: 35346344, PMCID: PMC8962531
ClinVar note: Reason: Outlier claim with insufficient supporting evidence

Literature cited by the submitters: PubMed 21796144 (cited by 3 submitters); PubMed 24146181 (cited by 3 submitters); PubMed 34324271 (cited by Labcorp Genetics (formerly Invitae), Labcorp and Women's Health and Genetics/Laboratory Corporation of America, LabCorp); PubMed 18034201 (cited by Women's Health and Genetics/Laboratory Corporation of America, LabCorp and Counsyl); PubMed 23235335 (cited by Women's Health and Genetics/Laboratory Corporation of America, LabCorp and Counsyl); PubMed 26483271 (cited by Women's Health and Genetics/Laboratory Corporation of America, LabCorp and Counsyl); PubMed 29637721 (cited by Women's Health and Genetics/Laboratory Corporation of America, LabCorp); PubMed 25089800 (cited by Counsyl); PubMed 21219664 (cited by Counsyl).

NM_000053.4(ATP7B):c.2939G>A (p.Cys980Tyr)

Gene: ATP7B (ATPase copper transporting beta; minus strand). Cytogenetic location: 13q14.3.
Variant type: single nucleotide variant.
Coding change: c.2939G>A on transcript NM_000053.4 (MANE Select); coding-DNA position 2939, G replaced by A.
Protein change: p.Cys980Tyr; replaces cysteine 980 with tyrosine.
Molecular consequence: missense variant.
Genome position (GRCh38, 1-based): chr13:51,946,405, C>T on the plus strand (G>A on the coding strand, the complement: ATP7B is on the minus strand). VCF-style: chr13-51946405-C-T. GRCh37 (hg19) VCF-style: chr13-52520541-C-T.
Other names: c.2318G>A, p.Cys773Tyr (NM_001005918.3); c.2606G>A, p.Cys869Tyr (NM_001243182.2); c.2705G>A, p.Cys902Tyr (NM_001330578.2); c.2687G>A, p.Cys896Tyr (NM_001330579.2); short protein forms C980Y, C869Y, C773Y, C902Y, C896Y.
Identifiers: ClinVar variation 556603 (VCV000556603.13), dbSNP rs1038582488, ClinGen allele CA250082222.